The following is an entry in ClinVar:

ClinVar aggregate classification (germline): Uncertain significance (1 of 4 stars; one submission).

Submission:

GeneDx
Classification: Uncertain significance. Last evaluated: 2026-08-04. Review status: criteria provided, single submitter. Criteria: GeneDx Variant Classification Process June 2021. Collection method: clinical testing. Allele origin: germline.
Comment: In silico analysis suggests this variant may impact gene splicing. In the absence of RNA/functional studies, the actual effect of this sequence change is unknown.; Has not been previously published as pathogenic or benign to our knowledge

NM_015015.3(KDM4B):c.2901+14_2901+88dup

Gene: KDM4B (lysine demethylase 4B; plus strand). Cytogenetic location: 19p13.3.
Variant type: Duplication.
Coding change: c.2901+14_2901+88dup on transcript NM_015015.3 (MANE Select); bases 14 to 88 of the intron after coding-DNA position 2901, 75 bases duplicated.
Molecular consequence: splice donor variant.
Genome position (GRCh38, 1-based): chr19:5,144,426-5,144,500, 75 bases duplicated. GRCh37 (hg19): chr19:5,144,437-5,144,511.
Other names: c.3003+14_3003+88dup (NM_001411148.1).
Identifiers: ClinVar variation 4526930 (VCV004526930.2).